The following is an entry in ClinVar:

ClinVar aggregate classification (germline): Uncertain significance (1 of 4 stars; one submission).

gnomAD v4.1: 52 of 1,614,020 alleles (0.0032%); highest among the groups gnomAD compares: Non-Finnish European, 0.0043%; no homozygotes.

Submission:

GeneDx
Classification: Uncertain significance. Last evaluated: 2025-03-13. Review status: criteria provided, single submitter. Criteria: GeneDx Variant Classification Process June 2021. Collection method: clinical testing. Allele origin: germline. Affected: yes.
Comment: Not observed at significant frequency in large population cohorts (gnomAD); In silico analysis indicates that this missense variant does not alter protein structure/function; Has not been previously published as pathogenic or benign to our knowledge

NM_000435.3(NOTCH3):c.1844T>C (p.Val615Ala)

Gene: NOTCH3 (notch receptor 3; minus strand). Cytogenetic location: 19p13.12.
Variant type: single nucleotide variant.
Coding change: c.1844T>C on transcript NM_000435.3 (MANE Select); coding-DNA position 1844, T replaced by C.
Protein change: p.Val615Ala; replaces valine 615 with alanine.
Molecular consequence: missense variant.
Genome position (GRCh38, 1-based): chr19:15,186,985, A>G on the plus strand (T>C on the coding strand, the complement: NOTCH3 is on the minus strand). VCF-style: chr19-15186985-A-G. GRCh37 (hg19) VCF-style: chr19-15297796-A-G.
Other names: short protein forms V615A.
Identifiers: ClinVar variation 4083327 (VCV004083327.1).